The following is an entry in ClinVar:

ClinVar aggregate classification (germline): Uncertain significance (1 of 4 stars; one submission).

Conditions:
Early-infantile DEE. Also called: Ohtahara syndrome; Early infantile epileptic encephalopathy with suppression bursts; Early infantile epileptic encephalopathy. Identifiers: Orphanet 1934, MedGen C0393706, MONDO:0800491.

Submission:

Labcorp Genetics (formerly Invitae), Labcorp
Classification: Uncertain significance for Early-infantile DEE. Last evaluated: 2020-10-25. Review status: criteria provided, single submitter. Criteria: Invitae Variant Classification Sherloc (09022015). Collection method: clinical testing. Allele origin: germline.
Comment: Advanced modeling of protein sequence and biophysical properties (such as structural, functional, and spatial information, amino acid conservation, physicochemical variation, residue mobility, and thermodynamic stability) performed at Invitae indicates that this missense variant is expected to disrupt GNAO1 protein function. In summary, the available evidence is currently insufficient to determine the role of this variant in disease. Therefore, it has been classified as a Variant of Uncertain Significance. Algorithms developed to predict the effect of sequence changes on RNA splicing suggest that this variant may create or strengthen a splice site, but this prediction has not been confirmed by published transcriptional studies. This variant has not been reported in the literature in individuals with GNAO1-related conditions. This variant is not present in population databases (ExAC no frequency). This sequence change replaces serine with arginine at codon 229 of the GNAO1 protein (p.Ser229Arg). The serine residue is highly conserved and there is a moderate physicochemical difference between serine and arginine.

NM_020988.3(GNAO1):c.687C>A (p.Ser229Arg)

Gene: GNAO1 (G protein subunit alpha o1; plus strand). Cytogenetic location: 16q13.
Variant type: single nucleotide variant.
Coding change: c.687C>A on transcript NM_020988.3 (MANE Select); coding-DNA position 687, C replaced by A.
Protein change: p.Ser229Arg; replaces serine 229 with arginine.
Molecular consequence: missense variant.
Genome position (GRCh38, 1-based): chr16:56,336,824, C>A. VCF-style: chr16-56336824-C-A. GRCh37 (hg19) VCF-style: chr16-56370736-C-A.
Other names: c.687C>A, p.Ser229Arg (NM_138736.3); short protein forms S229R.
Identifiers: ClinVar variation 1018745 (VCV001018745.9), dbSNP rs546569747, ClinGen allele CA395952344.